The following is an entry in ClinVar:

NM_000195.5(HPS1):c.1517T>C (p.Val506Ala)

Gene: HPS1 (HPS1 biogenesis of lysosomal organelles complex 3 subunit 1; minus strand). Cytogenetic location: 10q24.2.
Variant type: single nucleotide variant.
Coding change: c.1517T>C on transcript NM_000195.5 (MANE Select); coding-DNA position 1517, T replaced by C.
Protein change: p.Val506Ala; replaces valine 506 with alanine.
Molecular consequence: missense variant.
Genome position (GRCh38, 1-based): chr10:98,423,768, A>G on the plus strand (T>C on the coding strand, the complement: HPS1 is on the minus strand). VCF-style: chr10-98423768-A-G. GRCh37 (hg19) VCF-style: chr10-100183525-A-G.
Other names: c.545T>C, p.Val182Ala (NM_001311345.2, NM_001322487.2, NM_001322489.2); c.1517T>C, p.Val506Ala (NM_001322476.2, NM_001322477.2); c.1418T>C, p.Val473Ala (NM_001322478.2, NM_001322479.2); c.1256T>C, p.Val419Ala (NM_001322480.2, NM_001322481.2); c.1157T>C, p.Val386Ala (NM_001322482.2); c.1148T>C, p.Val383Ala (NM_001322483.2, NM_001322484.2); c.1049T>C, p.Val350Ala (NM_001322485.2); short protein forms V473A, V350A, V383A, V386A, V182A, V419A, V506A.
Identifiers: ClinVar variation 1484647 (VCV001484647.8), dbSNP rs1436451897, ClinGen allele CA378045648.

ClinVar aggregate classification (germline): Uncertain significance (1 of 4 stars; one submission).

Submission:

Labcorp Genetics (formerly Invitae), Labcorp
Classification: Uncertain significance. Last evaluated: 2023-11-28. Review status: criteria provided, single submitter. Criteria: Invitae Variant Classification Sherloc (09022015). Collection method: clinical testing. Allele origin: germline.
Comment: This sequence change replaces valine, which is neutral and non-polar, with alanine, which is neutral and non-polar, at codon 506 of the HPS1 protein (p.Val506Ala). This variant is not present in population databases (gnomAD no frequency). This variant has not been reported in the literature in individuals affected with HPS1-related conditions. ClinVar contains an entry for this variant (Variation ID: 1484647). Advanced modeling of protein sequence and biophysical properties (such as structural, functional, and spatial information, amino acid conservation, physicochemical variation, residue mobility, and thermodynamic stability) performed at Invitae indicates that this missense variant is not expected to disrupt HPS1 protein function with a negative predictive value of 80%. In summary, the available evidence is currently insufficient to determine the role of this variant in disease. Therefore, it has been classified as a Variant of Uncertain Significance.